The following is an entry in ClinVar:

ClinVar aggregate classification (germline): Uncertain significance (1 of 4 stars; one submission).

Submission:

Women's Health and Genetics/Laboratory Corporation of America, LabCorp
Classification: Uncertain significance. Last evaluated: 2024-10-21. Review status: criteria provided, single submitter. Criteria: LabCorp Variant Classification Summary - May 2015. Collection method: clinical testing. Allele origin: germline.
Comment: Variant summary: The variant involves the duplication of exons 21-38 in the LRPPRC gene. A presumed nomenclature of c.(2079+1_2080-1)_(*2377_?)dup has been designated for the purposes of this classification. The exact breakpoint at the 3' end of this variant is unknown, therefore this duplication may extend downstream of the annotated region of the gene. As it duplicates the termination codon, its effect on the encoded protein is unknown. The variant was absent in 21676 control chromosomes (gnomAD, structural variants dataset). The available data on variant occurrences in the general population are insufficient to allow any conclusion about variant significance. To our knowledge, no occurrence of c.(2079+1_2080-1)_(*2377_?)dup in individuals affected with Leigh Syndrome, French-Canadian Type and no experimental evidence demonstrating its impact on protein function have been reported. No submitters have cited clinical-significance assessments for this variant to ClinVar. Based on the evidence outlined above, the variant was classified as uncertain significance.

NC_000002.11:g.(?_44113362)_(44173383_44174395)dup

Gene: LRPPRC (leucine rich pentatricopeptide repeat containing; minus strand). Cytogenetic location: 2p21.
Variant type: Duplication.
Identifiers: ClinVar variation 3385181 (VCV003385181.1).